The following is an entry in ClinVar:

ClinVar aggregate classification (germline): Pathogenic/Likely pathogenic. Review status: criteria provided, multiple submitters, no conflicts (2 of 4 stars). 15 submissions from 15 submitters: Pathogenic (12); Likely pathogenic (1). 2 of the submissions do not count toward it. Last evaluated 2026-01-02.

Conditions:
HEXA-related disorders.
GM2-GANGLIOSIDOSIS, CHRONIC. Identifiers: MedGen C4016988.
Tay-Sachs disease (TSD). Also called: HEXA DEFICIENCY; GM2 gangliosidosis, type 1; Hexosaminidase alpha-subunit deficiency (variant B); Sphingolipidosis, Tay-Sachs; Hexosaminidase A Deficiency; HEXA Disorders. Identifiers: Orphanet 845, MedGen C0039373, MONDO:0010100, OMIM 272800.

Allele frequency attached by ClinVar (database versions not stated): ExAC 0.00002; gnomAD exomes 0.00002; TOPMed 0.00002; gnomAD 0.00001.
gnomAD v4.1: 31 of 1,614,060 alleles (0.0019%); highest among the groups gnomAD compares: African/African-American, 0.004%; no homozygotes.

Submissions 1 to 10 of 15:

Variantyx, Inc.
Classification: Pathogenic for Tay-Sachs disease. Last evaluated: 2026-01-02. Review status: criteria provided, single submitter. Criteria: Variantyx Assertion Criteria 2022. Collection method: clinical testing. Allele origin: germline. Inheritance: Autosomal recessive inheritance. Affected: no.
Comment: This is a nonsynonymous variant in the HEXA gene (OMIM: 606869). Pathogenic variants in this gene have been associated with autosomal recessive Tay-Sachs disease. This variant has been identified in the homozygous or compound heterozygous state in at least 6 individuals reported in the published literature (PMID: 1837283, 33176815, 38112342, 1827944, 1827944) (PM3_Strong) and it has been observed to segregate with disease in at least 4 individuals from 2 families (PMID: 1827944, 25860343) (PP1). Later onset of disease has also been described (PMID: 24327357, 33426165). Functional studies have shown that this variant alters HEXA protein function (PMID: 1827944) (PS3_Moderate), and multiple computational algorithms predict a deleterious effect for this variant (REVEL score: 0.942) (PP3). Moreover, an alternate amino acid change at this position (p.Arg504His) has been previously reported in similarly affected individuals, which suggests that this residue is biologically important (PMID: 22441121) (PM5). This variant has a 0.0040% maximum allele frequency in non-founder control populations (PM2). Based on the current evidence, this variant is classified as pathogenic for autosomal recessive Tay-Sachs disease.

Labcorp Genetics (formerly Invitae), Labcorp
Classification: Pathogenic for Tay-Sachs disease. Last evaluated: 2025-12-14. Review status: criteria provided, single submitter. Criteria: Invitae Variant Classification Sherloc (09022015). Collection method: clinical testing. Allele origin: germline.
Comment: This sequence change replaces arginine, which is basic and polar, with cysteine, which is neutral and slightly polar, at codon 504 of the HEXA protein (p.Arg504Cys). This variant is present in population databases (rs28942071, gnomAD 0.006%). This missense change has been observed in individual(s) with Tay–Sachs disease (PMID: 1837283, 19091716, 25860343). ClinVar contains an entry for this variant (Variation ID: 3906). Invitae Evidence Modeling of protein sequence and biophysical properties (such as structural, functional, and spatial information, amino acid conservation, physicochemical variation, residue mobility, and thermodynamic stability) indicates that this missense variant is expected to disrupt HEXA protein function with a positive predictive value of 95%. Experimental studies have shown that this missense change affects HEXA function (PMID: 9694901). For these reasons, this variant has been classified as Pathogenic.

Natera, Inc.
Classification: Pathogenic for Tay-Sachs disease. Last evaluated: 2025-10-04. Review status: criteria provided, single submitter. Criteria: Natera Variant Classification Schema (03/2026). Collection method: clinical testing. Allele origin: germline.
Comment: The c.1510C>T variant in HEXA is a missense variant predicted to cause substitution of arginine to cysteine at amino acid 504. This variant is rare in the general population with a frequency below the threshold expected for the associated phenotype(s). This variant has been observed in one or more individuals affected with the associated recessive disease, as either homozygous or compound heterozygous with a second variant (PMID: 16088929, 1827944, 15714079, 1837283). Given the available evidence, this variant is classified as Pathogenic.

3billion
Classification: Pathogenic for Tay-Sachs disease. Last evaluated: 2024-07-26. Review status: criteria provided, single submitter. Criteria: ACMG Guidelines, 2015. Collection method: clinical testing. Allele origin: germline. Affected: yes.
Comment: The variant is observed at an extremely low frequency in the gnomAD v4.0.0 dataset (total allele frequency: 0.002%). Predicted Consequence/Location: Missense variant In silico tool predictions suggest damaging effect of the variant on gene or gene product [REVEL: 0.94 (>=0.6, sensitivity 0.68 and specificity 0.92); 3Cnet: 0.88 (>=0.6, sensitivity 0.72 and precision 0.9)]. The same nucleotide change resulting in the same amino acid change has been previously reported as pathogenic/likely pathogenic with strong evidence (ClinVar ID: VCV000003906 /PMID: 1837283 /3billion dataset). The variant has been reported to be in trans with a pathogenic variant as either compound heterozygous or homozygous in at least one similarly affected unrelated individual (PMID: 15714079, 16088929, 1837283). Different missense changes at the same codon (p.Arg504His, p.Arg504Leu) have been reported as pathogenic/likely pathogenic with strong evidence (ClinVar ID: VCV000003895 /PMID: 2140574, 22441121). Therefore, this variant is classified as Pathogenic according to the recommendation of ACMG/AMP guideline.

Victorian Clinical Genetics Services, Murdoch Childrens Research Institute
Classification: Pathogenic for Tay-Sachs disease. Last evaluated: 2023-07-17. Review status: criteria provided, single submitter. Criteria: ACMG Guidelines, 2015. Collection method: clinical testing. Allele origin: germline. Inheritance: Autosomal recessive inheritance. Affected: yes.
Comment: Based on the classification scheme VCGS_Germline_v1.3.4, this variant is classified as Pathogenic. Following criteria are met: 0102 - Loss of function is a known mechanism of disease in this gene and is associated with Tay-Sachs disease (MIM#272800). (I) 0106 - This gene is associated with autosomal recessive disease. (I) 0200 - Variant is predicted to result in a missense amino acid change from arginine to cysteine. (I) 0251 - This variant is heterozygous. (I) 0304 - Variant is present in gnomAD (v2) <0.01 for a recessive condition (6 heterozygotes, 0 homozygotes). (SP) 0309 - Multiple alternative amino acid changes at the same position has been observed in gnomAD (v2 and 3) (highest allele count: 3 heterozygotes, 0 homozygotes). (I) 0501 - Missense variant consistently predicted to be damaging by multiple in silico tools or highly conserved with a major amino acid change. (SP) 0604 - Variant is not located in an established domain, motif, hotspot or informative constraint region. (I) 0801 - This variant has strong previous evidence of pathogenicity in unrelated individuals. This variant has been classified as pathogenic or likely pathogenic by multiple clinical laboratories in ClinVar, and has been observed in individuals with Tay-Sachs disease (PMIDs: 16088929, 15714079). (SP) 1208 - Inheritance information for this variant is not currently available in this individual. (I) Legend: (SP) - Supporting pathogenic, (I) - Information, (SB) - Supporting benign

Institute of Human Genetics Munich, TUM University Hospital
Classification: Pathogenic for Tay-Sachs disease. Last evaluated: 2022-08-05. Review status: criteria provided, single submitter. Criteria: Classification criteria August 2017. Collection method: clinical testing. Allele origin: paternal. Inheritance: Autosomal recessive inheritance. Affected: yes. Observed: 1 variant allele.

Blueprint Genetics
Classification: Pathogenic for HEXA-related disorders. Last evaluated: 2020-09-01. Review status: criteria provided, single submitter. Criteria: ACMG Guidelines, 2015. Collection method: clinical testing. Allele origin: germline. Affected: yes. Observed: 2 variant alleles.

Mendelics
Classification: Pathogenic for Tay-Sachs disease. Last evaluated: 2019-05-28. Review status: criteria provided, single submitter. Criteria: Mendelics Assertion Criteria 2017. Collection method: clinical testing. Allele origin: unknown.

Centre for Mendelian Genomics, University Medical Centre Ljubljana
Classification: Likely pathogenic for Tay-Sachs disease. Last evaluated: 2019-04-03. Review status: criteria provided, single submitter. Criteria: ACMG Guidelines, 2015. Collection method: clinical testing. Allele origin: unknown. Affected: yes.
Comment: This variant was classified as: Likely pathogenic. The following ACMG criteria were applied in classifying this variant: PM2,PS1,PP3.

Mayo Clinic Laboratories, Mayo Clinic
Classification: Pathogenic. Last evaluated: 2019-04-03. Review status: criteria provided, single submitter. Criteria: ACMG Guidelines, 2015. Collection method: clinical testing. Allele origin: germline. Observed: 2 variant alleles.
Comment: PS3, PS4_moderate, PM2, PM3, PM5, PP1, PP4

NM_000520.6(HEXA):c.1510C>T (p.Arg504Cys)

Gene: HEXA (hexosaminidase subunit alpha; minus strand). Cytogenetic location: 15q23.
Variant type: single nucleotide variant.
Coding change: c.1510C>T on transcript NM_000520.6 (MANE Select); coding-DNA position 1510, C replaced by T.
Protein change: p.Arg504Cys; replaces arginine 504 with cysteine.
Molecular consequence: missense variant. On other transcripts: non-coding transcript variant (1).
Genome position (GRCh38, 1-based): chr15:72,345,462, G>A on the plus strand (C>T on the coding strand, the complement: HEXA is on the minus strand). VCF-style: chr15-72345462-G-A. GRCh37 (hg19) VCF-style: chr15-72637803-G-A.
Other names: c.1543C>T, p.Arg515Cys (NM_001318825.2); short protein forms R504C, R515C.
Identifiers: ClinVar variation 3906 (VCV000003906.41), dbSNP rs28942071, ClinGen allele CA116503.